The following is an entry in ClinVar:

NM_014391.3(ANKRD1):c.560C>T (p.Ser187Phe)

Gene: ANKRD1 (ankyrin repeat domain 1; minus strand). Cytogenetic location: 10q23.31.
Variant type: single nucleotide variant.
Coding change: c.560C>T on transcript NM_014391.3 (MANE Select); coding-DNA position 560, C replaced by T.
Protein change: p.Ser187Phe; replaces serine 187 with phenylalanine.
Molecular consequence: missense variant.
Genome position (GRCh38, 1-based): chr10:90,916,262, G>A on the plus strand (C>T on the coding strand, the complement: ANKRD1 is on the minus strand). VCF-style: chr10-90916262-G-A. GRCh37 (hg19) VCF-style: chr10-92676019-G-A.
Other names: short protein forms S187F.
Identifiers: ClinVar variation 45635 (VCV000045635.27), dbSNP rs397517251, ClinGen allele CA136844.

ClinVar aggregate classification (germline): Conflicting classifications of pathogenicity. Review status: criteria provided, conflicting classifications (1 of 4 stars). 10 submissions from 10 submitters: Uncertain significance (1); Benign (2); Likely benign (3). 4 of the submissions do not count toward it. Last evaluated 2026-01-05.

Conditions:
Cardiovascular phenotype. Identifiers: MedGen CN230736.
Cardiomyopathy (CMYO). Also called: Cardiomyopathies. Identifiers: Orphanet 167848, MedGen C0878544, MONDO:0004994, HP:0001638. Inheritance: Various modes of inheritance.
ANKRD1-related dilated cardiomyopathy. Identifiers: MedGen CN119551.
Primary dilated cardiomyopathy (DCM). Also called: Dilated Cardiomyopathy. Identifiers: Orphanet 217604, MedGen C0007193, MeSH D002311, MONDO:0005021, HP:0001644. Inheritance: Various modes of inheritance.

Allele frequency attached by ClinVar (database versions not stated): gnomAD 0.00001 and 0.00019; TOPMed 0.00004; gnomAD exomes 0.00029 and 0.00059; ExAC 0.00069; 1000 Genomes Project 30x 0.00094; 1000 Genomes Project 0.00100.

Submissions (10):

Labcorp Genetics (formerly Invitae), Labcorp
Classification: Benign for ANKRD1-related dilated cardiomyopathy. Last evaluated: 2026-01-05. Review status: criteria provided, single submitter. Criteria: Invitae Variant Classification Sherloc (09022015). Collection method: clinical testing. Allele origin: germline.

Ambry Genetics
Classification: Likely benign for Cardiovascular phenotype. Last evaluated: 2019-02-16. Review status: criteria provided, single submitter. Criteria: Ambry Variant Classification Scheme 2023. Collection method: clinical testing. Allele origin: germline.

GeneDx
Classification: Benign. Last evaluated: 2019-02-15. Review status: criteria provided, single submitter. Criteria: GeneDx Variant Classification Process June 2021. Collection method: clinical testing. Allele origin: germline. Affected: yes.
Comment: This variant is associated with the following publications: (PMID: 30659708)

Illumina Laboratory Services, Illumina
Classification: Uncertain significance for Primary dilated cardiomyopathy. Last evaluated: 2018-01-13. Review status: criteria provided, single submitter. Criteria: ICSL Variant Classification Criteria 13 December 2019. Collection method: clinical testing. Allele origin: germline.

CHEO Genetics Diagnostic Laboratory, Children's Hospital of Eastern Ontario
Classification: Likely benign for Cardiomyopathy. Last evaluated: 2015-08-31. Review status: criteria provided, single submitter. Criteria: ACMG Guidelines, 2015. Collection method: clinical testing. Allele origin: germline. Study: Canadian Open Genetics Repository.

Laboratory for Molecular Medicine, Mass General Brigham Personalized Medicine
Classification: Likely benign. Last evaluated: 2015-08-12. Review status: criteria provided, single submitter. Criteria: LMM Criteria. Collection method: clinical testing. Allele origin: germline. Observed: 4 variant alleles.
Comment: p.Ser187Phe in exon 6 of ANKRD1: This variant is not expected to have clinical s ignificance because it has been identified in 0.5% (79/16430) of South Asian chr omosomes by the Exome Aggregation Consortium (ExAC, rg; dbSNP rs397517251).

Clinical Genetics DNA and cytogenetics Diagnostics Lab, Erasmus MC, Erasmus Medical Center
Classification: Likely benign. Review status: no assertion criteria provided. Collection method: clinical testing. Allele origin: germline. Affected: yes. Study: VKGL Data-share Consensus. Not counted in ClinVar's aggregate classification.

Clinical Genetics, Academic Medical Center
Classification: Benign. Review status: no assertion criteria provided. Collection method: clinical testing. Allele origin: germline. Affected: yes. Study: VKGL Data-share Consensus. Not counted in ClinVar's aggregate classification.

Diagnostic Laboratory, Department of Genetics, University Medical Center Groningen
Classification: Likely benign. Review status: no assertion criteria provided. Collection method: clinical testing. Allele origin: germline. Affected: yes. Study: VKGL Data-share Consensus. Not counted in ClinVar's aggregate classification.

Genome Diagnostics Laboratory, University Medical Center Utrecht
Classification: Likely benign. Review status: no assertion criteria provided. Collection method: clinical testing. Allele origin: germline. Affected: yes. Study: VKGL Data-share Consensus. Not counted in ClinVar's aggregate classification.

Literature cited by the submitters: PubMed 30659708 (cited by Ambry Genetics).